The following is an entry in ClinVar:

NM_003579.4(RAD54L):c.392A>C (p.Gln131Pro)

Gene: RAD54L (RAD54 like; plus strand). Cytogenetic location: 1p34.1.
Variant type: single nucleotide variant.
Coding change: c.392A>C on transcript NM_003579.4 (MANE Select); coding-DNA position 392, A replaced by C.
Protein change: p.Gln131Pro; replaces glutamine 131 with proline.
Molecular consequence: missense variant. On other transcripts: 5 prime UTR variant (1).
Genome position (GRCh38, 1-based): chr1:46,260,084, A>C. VCF-style: chr1-46260084-A-C. GRCh37 (hg19) VCF-style: chr1-46725756-A-C.
Other names: c.392A>C, p.Gln131Pro (NM_001142548.2); c.-149A>C (NM_001370766.1); short protein forms Q131P.
Identifiers: ClinVar variation 3312477 (VCV003312477.1).
Genomic context (GRCh38, chr1:46,260,084, plus strand): 5'-ACCCCCTGGAAAAAGATGCCTTGGTTCTGTATGAGCCTCCCCCGCTGAGCGCTCATGACC[A>C]GCTGAAGCTTGACAAGTATGTGCACTGGTATTTCATAAGCAGTTTTGGTTCTCTGTATAT-3'
Protein context (NP_003570.2, residues 121-141): YEPPPLSAHD[Gln131Pro]LKLDKEKLPV

ClinVar aggregate classification (germline): Uncertain significance (1 of 4 stars; one submission).

Submission:

Ambry Genetics
Classification: Uncertain significance. Last evaluated: 2024-05-21. Review status: criteria provided, single submitter. Criteria: Ambry Variant Classification Scheme 2023. Collection method: clinical testing. Allele origin: germline.
Comment: The p.Q131P variant (also known as c.392A>C), located in coding exon 5 of the RAD54L gene, results from an A to C substitution at nucleotide position 392. The glutamine at codon 131 is replaced by proline, an amino acid with similar properties. This amino acid position is conserved. In addition, the in silico prediction for this alteration is inconclusive. Based on the available evidence, the clinical significance of this variant remains unclear.